The following is an entry in ClinVar:

ClinVar aggregate classification (germline): Uncertain significance (1 of 4 stars; one submission).

Conditions:
Parathyroid carcinoma (PRTC). Also called: CDC73-Related Parathyroid Carcinoma; Parathyroid gland carcinoma. Identifiers: Orphanet 143, MedGen C0687150, MONDO:0012004, OMIM 608266, HP:0006780.

Submission:

Labcorp Genetics (formerly Invitae), Labcorp
Classification: Uncertain significance for Parathyroid carcinoma. Last evaluated: 2025-03-15. Review status: criteria provided, single submitter. Criteria: Invitae Variant Classification Sherloc (09022015). Collection method: clinical testing. Allele origin: germline.
Comment: This sequence change replaces alanine, which is neutral and non-polar, with threonine, which is neutral and polar, at codon 273 of the CDC73 protein (p.Ala273Thr). This variant is not present in population databases (gnomAD no frequency). This variant has not been reported in the literature in individuals affected with CDC73-related conditions. Invitae Evidence Modeling of protein sequence and biophysical properties (such as structural, functional, and spatial information, amino acid conservation, physicochemical variation, residue mobility, and thermodynamic stability) indicates that this missense variant is not expected to disrupt CDC73 protein function with a negative predictive value of 80%. In summary, the available evidence is currently insufficient to determine the role of this variant in disease. Therefore, it has been classified as a Variant of Uncertain Significance.

NM_024529.5(CDC73):c.817G>A (p.Ala273Thr)

Gene: CDC73 (cell division cycle 73; plus strand). Cytogenetic location: 1q31.2.
Variant type: single nucleotide variant.
Coding change: c.817G>A on transcript NM_024529.5 (MANE Select); coding-DNA position 817, G replaced by A.
Protein change: p.Ala273Thr; replaces alanine 273 with threonine.
Molecular consequence: missense variant.
Genome position (GRCh38, 1-based): chr1:193,147,954, G>A. VCF-style: chr1-193147954-G-A. GRCh37 (hg19) VCF-style: chr1-193117084-G-A.
Other names: short protein forms A273T.
Identifiers: ClinVar variation 3712460 (VCV003712460.2).